The following is an entry in ClinVar:

NM_022124.6(CDH23):c.9633+4A>T

Gene: CDH23 (cadherin related 23; plus strand). Cytogenetic location: 10q22.1.
Variant type: single nucleotide variant.
Coding change: c.9633+4A>T on transcript NM_022124.6 (MANE Select); 4 bases into the intron after coding-DNA position 9633, A replaced by T.
Molecular consequence: intron variant.
Genome position (GRCh38, 1-based): chr10:71,812,894, A>T. VCF-style: chr10-71812894-A-T. GRCh37 (hg19) VCF-style: chr10-73572651-A-T.
Other names: c.2913+4A>T (NM_001171933.1, NM_001171934.1); c.324+4A>T (NM_001171935.1, NM_001171936.1).
Identifiers: ClinVar variation 1404926 (VCV001404926.6), dbSNP rs2133008482, ClinGen allele CA2573145275.

ClinVar aggregate classification (germline): Uncertain significance (1 of 4 stars; one submission).

gnomAD v4.1: 1 of 1,613,214 alleles (0.000062%); highest among the groups gnomAD compares: South Asian, 0.0011%; no homozygotes.

Submission:

Labcorp Genetics (formerly Invitae), Labcorp
Classification: Uncertain significance. Last evaluated: 2024-12-16. Review status: criteria provided, single submitter. Criteria: Invitae Variant Classification Sherloc (09022015). Collection method: clinical testing. Allele origin: germline.
Comment: This sequence change falls in intron 68 of the CDH23 gene. It does not directly change the encoded amino acid sequence of the CDH23 protein. It affects a nucleotide within the consensus splice site. This variant is not present in population databases (gnomAD no frequency). This variant has not been reported in the literature in individuals affected with CDH23-related conditions. ClinVar contains an entry for this variant (Variation ID: 1404926). Variants that disrupt the consensus splice site are a relatively common cause of aberrant splicing (PMID: 17576681, 9536098). Algorithms developed to predict the effect of sequence changes on RNA splicing suggest that this variant is not likely to affect RNA splicing. In summary, the available evidence is currently insufficient to determine the role of this variant in disease. Therefore, it has been classified as a Variant of Uncertain Significance.

Literature cited by the submitters: PubMed 17576681; PubMed 9536098.